The following is an entry in ClinVar:

NM_001042492.3(NF1):c.6705-2A>G

Gene: NF1 (neurofibromin 1; plus strand). Cytogenetic location: 17q11.2.
Variant type: single nucleotide variant.
Coding change: c.6705-2A>G on transcript NM_001042492.3 (MANE Select); the canonical splice acceptor site of the intron before coding-DNA position 6705, A replaced by G.
Molecular consequence: splice acceptor variant.
Genome position (GRCh38, 1-based): chr17:31,338,023, A>G. VCF-style: chr17-31338023-A-G. GRCh37 (hg19) VCF-style: chr17-29665041-A-G.
Other names: c.6642-2A>G (NM_000267.4).
Identifiers: ClinVar variation 1076270 (VCV001076270.6), dbSNP rs2069724442, ClinGen allele CA399013970.

ClinVar aggregate classification (germline): Pathogenic/Likely pathogenic. Review status: criteria provided, multiple submitters, no conflicts (2 of 4 stars). 2 submissions from 2 submitters: Pathogenic (1); Likely pathogenic (1). Last evaluated 2025-02-13.

Conditions:
Hereditary cancer-predisposing syndrome. Also called: Neoplastic Syndromes, Hereditary; Hereditary neoplastic syndrome; Tumor predisposition; Hereditary Cancer Syndrome. Identifiers: Orphanet 140162, MedGen C0027672, MeSH D009386, MONDO:0015356.
Cardiovascular phenotype. Identifiers: MedGen CN230736.
Neurofibromatosis, type 1 (NF1). Also called: VON RECKLINGHAUSEN DISEASE; Peripheral type neurofibromatosis; NEUROFIBROMATOSIS, TYPE I, SOMATIC; Neurofibromatosis, type I. Identifiers: Orphanet 636, MedGen C0027831, MONDO:0018975, OMIM 162200. Disease mechanism: loss of function.

Allele frequency attached by ClinVar (database versions not stated): TOPMed below 0.00001; gnomAD 0.00001.
gnomAD v4.1: 1 of 1,610,602 alleles (0.000062%); highest among the groups gnomAD compares: Non-Finnish European, 0.000085%; no homozygotes.

Submissions (2):

Ambry Genetics
Classification: Likely pathogenic for Cardiovascular phenotype; Hereditary cancer-predisposing syndrome. Last evaluated: 2025-02-13. Review status: criteria provided, single submitter. Criteria: Ambry Variant Classification Scheme 2023. Collection method: clinical testing. Allele origin: germline.
Comment: The c.6642-2A>G intronic variant results from an A to G substitution two nucleotides upstream from coding exon 44 in the NF1 gene. This variant was reported in individual(s) with features consistent with neurofibromatosis type 1 (NF1) (Duat Rodr&iacute;guez A et al. An Pediatr (Barc), 2015 Sep;83:173-82). This variant is considered to be rare based on population cohorts in the Genome Aggregation Database (gnomAD). This nucleotide position is highly conserved in available vertebrate species. In silico splice site analysis predicts that this alteration will weaken the native splice acceptor site. In addition to the clinical data presented in the literature, Alterations that disrupt the canonical splice site are expected to cause aberrant splicing, resulting in an abnormal protein or a transcript that is subject to nonsense-mediated mRNA decay. As such, this alteration is classified as likely pathogenic.

Labcorp Genetics (formerly Invitae), Labcorp
Classification: Pathogenic for Neurofibromatosis, type 1. Last evaluated: 2023-10-04. Review status: criteria provided, single submitter. Criteria: Invitae Variant Classification Sherloc (09022015). Collection method: clinical testing. Allele origin: germline.
Comment: This sequence change affects an acceptor splice site in intron 43 of the NF1 gene. It is expected to disrupt RNA splicing. Variants that disrupt the donor or acceptor splice site typically lead to a loss of protein function (PMID: 16199547), and loss-of-function variants in NF1 are known to be pathogenic (PMID: 10712197, 23913538). This variant is not present in population databases (gnomAD no frequency). Disruption of this splice site has been observed in individuals with neurofibromatosis type 1 (PMID: 10712197, 25541118; Invitae). ClinVar contains an entry for this variant (Variation ID: 1076270). Algorithms developed to predict the effect of sequence changes on RNA splicing suggest that this variant may disrupt the consensus splice site. For these reasons, this variant has been classified as Pathogenic.

Literature cited by the submitters: PubMed 25541118 (cited by Ambry Genetics and Labcorp Genetics (formerly Invitae), Labcorp); PubMed 16199547 (cited by Labcorp Genetics (formerly Invitae), Labcorp); PubMed 10712197 (cited by Labcorp Genetics (formerly Invitae), Labcorp); PubMed 23913538 (cited by Labcorp Genetics (formerly Invitae), Labcorp).